The following is an entry in ClinVar:

ClinVar aggregate classification (germline): Pathogenic. Review status: criteria provided, multiple submitters, no conflicts (2 of 4 stars). 2 submissions from 2 submitters: Pathogenic (2). Last evaluated 2026-01-22.

Conditions:
APC-related disorder. Also called: APC-related condition.

Submissions (2):

Dasa
Classification: Pathogenic. Last evaluated: 2026-01-22. Review status: criteria provided, single submitter. Criteria: DASA Assertion Criteria. Collection method: clinical testing. Allele origin: germline.
Comment: NM_000038.6(APC):c.1312+1G>C affects a canonical splice donor site and is predicted to disrupt normal splicing. Loss-of-function is an established mechanism of disease for this gene. The variant has been reported in individuals with familial adenomatous polyposis and related conditions and is present at very low frequency in population datasets. Based on the available data, this variant is classified as pathogenic.

PreventionGenetics, part of Exact Sciences
Classification: Pathogenic for APC-related condition. Last evaluated: 2023-06-14. Review status: criteria provided, single submitter. Criteria: ACMG Guidelines, 2015. Collection method: clinical testing. Allele origin: germline.
Comment: The APC c.1312+1G>C variant is predicted to disrupt the GT donor site and interfere with normal splicing. This variant was reported in the heterozygous state in an individual with adenomatous polyposis coli (Kerr et al 2013. PubMed ID: 23159591, supplemental table 1). In addition, this article references at least one other nucleotide substitution at this position associated with disease. This variant has not been reported in a large population database, indicating it is rare. Variants that disrupt the consensus splice donor site in APC are expected to be pathogenic. This variant is interpreted as pathogenic.

NM_000038.6(APC):c.1312+1G>C

Gene: APC (APC regulator of Wnt signaling pathway; plus strand). Cytogenetic location: 5q22.2.
Variant type: single nucleotide variant.
Coding change: c.1312+1G>C on transcript NM_000038.6 (MANE Select); the canonical splice donor site of the intron after coding-DNA position 1312, G replaced by C.
Molecular consequence: splice donor variant.
Genome position (GRCh38, 1-based): chr5:112,819,345, G>C. VCF-style: chr5-112819345-G-C. GRCh37 (hg19) VCF-style: chr5-112155042-G-C.
Other names: c.463+1G>C (NM_001407470.1, NM_001354906.2); c.160+1G>C (NM_001407472.1, NM_001407471.1); c.1312+1G>C (NM_001407447.1, NM_001354895.2, NM_001407448.1 and 4 more transcripts); c.1009+1G>C (NM_001407456.1, NM_001407460.1, NM_001407457.1 and 5 more transcripts); c.1228+1G>C (NM_001407452.1, NM_001354899.2); c.925+1G>C (NM_001407469.1, NM_001407467.1); c.1342+1G>C (NM_001407446.1, NM_001354897.2); c.1039+1G>C (NM_001354902.2); and 5 more.
Identifiers: ClinVar variation 2632586 (VCV002632586.2), dbSNP rs863225310, ClinGen allele CA360619192.